The following is an entry in ClinVar:

ClinVar aggregate classification (germline): Uncertain significance (1 of 4 stars; one submission).

Conditions:
Cardiovascular phenotype. Identifiers: MedGen CN230736.

Submission:

Ambry Genetics
Classification: Uncertain significance for Cardiovascular phenotype. Last evaluated: 2021-07-22. Review status: criteria provided, single submitter. Criteria: Ambry Variant Classification Scheme 2023. Collection method: clinical testing. Allele origin: germline.
Comment: The p.K884N variant (also known as c.2652A>C), located in coding exon 33 of the CACNA2D1 gene, results from an A to C substitution at nucleotide position 2652. The lysine at codon 884 is replaced by asparagine, an amino acid with similar properties. This amino acid position is conserved. In addition, this alteration is predicted to be tolerated by in silico analysis. Since supporting evidence is limited at this time, the clinical significance of this alteration remains unclear.

NM_000722.4(CACNA2D1):c.2652A>C (p.Lys884Asn)

Gene: CACNA2D1 (calcium voltage-gated channel auxiliary subunit alpha2delta 1; minus strand). Cytogenetic location: 7q21.11.
Variant type: single nucleotide variant.
Coding change: c.2652A>C on transcript NM_000722.4 (MANE Select); coding-DNA position 2652, A replaced by C.
Protein change: p.Lys884Asn; replaces lysine 884 with asparagine.
Molecular consequence: missense variant.
Genome position (GRCh38, 1-based): chr7:81,964,282, T>G on the plus strand (A>C on the coding strand, the complement: CACNA2D1 is on the minus strand). VCF-style: chr7-81964282-T-G. GRCh37 (hg19) VCF-style: chr7-81593598-T-G.
Other names: c.2688A>C, p.Lys896Asn (NM_001366867.1); short protein forms K896N, K884N.
Identifiers: ClinVar variation 1794337 (VCV001794337.2), dbSNP rs2484469443, ClinGen allele CA367885263.
Genomic context (GRCh38, chr7:81,964,282, plus strand): 5'-ATGTCCTGCTCCTTGTTTTGGTGCAGCACCGGGCTCACATACTGACTGATAATCATAAGA[T>G]TTGTTAAAAGCATAAACTGATATATTAACCAGGTGTCTCATCAAGCTGGGATCAATCTCT-3'
Protein context (NP_000713.2, residues 874-894): LVNISVYAFN[Lys884Asn]SYDYQSVCEP